The following is an entry in ClinVar:

ClinVar aggregate classification (germline): Likely benign (0 of 4 stars; one submission).

Conditions:
LEPR-related disorder. Also called: LEPR-related condition; LEPR-related disorders.

gnomAD v4.1: 4 of 1,613,278 alleles (0.00025%); highest among the groups gnomAD compares: Non-Finnish European, 0.00034%; no homozygotes.

Submission:

PreventionGenetics, part of Exact Sciences
Classification: Likely benign for LEPR-related condition. Last evaluated: 2020-08-13. Review status: no assertion criteria provided. Collection method: clinical testing. Allele origin: germline.
Comment: This variant is classified as likely benign based on ACMG/AMP sequence variant interpretation guidelines (Richards et al. 2015 PMID: 25741868, with internal and published modifications).

NM_002303.6(LEPR):c.2550T>C (p.Ile850=)

Gene: LEPR (leptin receptor; plus strand). Cytogenetic location: 1p31.3.
Variant type: single nucleotide variant.
Coding change: c.2550T>C on transcript NM_002303.6 (MANE Select); coding-DNA position 2550, T replaced by C.
Protein change: p.Ile850=; no amino-acid change (isoleucine 850 retained).
Molecular consequence: synonymous variant.
Genome position (GRCh38, 1-based): chr1:65,621,411, T>C. VCF-style: chr1-65621411-T-C. GRCh37 (hg19) VCF-style: chr1-66087094-T-C.
Other names: c.2550T>C, p.Ile850= (NM_001003679.3, NM_001003680.3, NM_001198687.2 and 2 more transcripts).
Identifiers: ClinVar variation 3351993 (VCV003351993.1).